The following is an entry in ClinVar:

NM_004415.4(DSP):c.423G>C (p.Arg141Ser)

Gene: DSP (desmoplakin; plus strand). Cytogenetic location: 6p24.3.
Variant type: single nucleotide variant.
Coding change: c.423G>C on transcript NM_004415.4 (MANE Select); coding-DNA position 423, G replaced by C.
Protein change: p.Arg141Ser; replaces arginine 141 with serine.
Molecular consequence: missense variant.
Genome position (GRCh38, 1-based): chr6:7,559,226, G>C. VCF-style: chr6-7559226-G-C. GRCh37 (hg19) VCF-style: chr6-7559459-G-C.
Other names: c.423G>C, p.Arg141Ser (NM_001319034.2, NM_001008844.3); short protein forms R141S.
Identifiers: ClinVar variation 923616 (VCV000923616.15), dbSNP rs771688614, ClinGen allele CA040866.

ClinVar aggregate classification (germline): Uncertain significance. Review status: criteria provided, multiple submitters, no conflicts (2 of 4 stars). 4 submissions from 4 submitters: Uncertain significance (4). Last evaluated 2025-06-24.

Conditions:
Cardiovascular phenotype. Identifiers: MedGen CN230736.
Cardiomyopathy (CMYO). Also called: Cardiomyopathies. Identifiers: Orphanet 167848, MedGen C0878544, MONDO:0004994, HP:0001638. Inheritance: Various modes of inheritance.
Arrhythmogenic right ventricular dysplasia 8 (ARVD8). Also called: Arrhythmogenic Right Ventricular Dysplasia/Cardiomyopathy 8; ARRHYTHMOGENIC RIGHT VENTRICULAR DYSPLASIA, FAMILIAL, 8; ARRHYTHMOGENIC RIGHT VENTRICULAR CARDIOMYOPATHY 8. Identifiers: MedGen C1843896, MONDO:0011831, OMIM 607450.
Arrhythmogenic cardiomyopathy with wooly hair and keratoderma. Also called: PALMOPLANTAR KERATODERMA WITH LEFT VENTRICULAR CARDIOMYOPATHY AND WOOLLY HAIR; Carvajal syndrome; Dilated cardiomyopathy with woolly hair and keratoderma; Arrhythmogenic cardiomyopathy with woolly hair and keratoderma. Identifiers: Orphanet 65282, MedGen C1854063, MONDO:0011581, OMIM 605676.

Allele frequency attached by ClinVar (database versions not stated): gnomAD exomes below 0.00001; ExAC 0.00001; gnomAD 0.00001; TOPMed 0.00001.
gnomAD v4.1: 21 of 1,613,702 alleles (0.0013%); highest among the groups gnomAD compares: Non-Finnish European, 0.0015%; no homozygotes.

Submissions (4):

Color Diagnostics, LLC DBA Color Health
Classification: Uncertain significance for Cardiomyopathy. Last evaluated: 2025-06-24. Review status: criteria provided, single submitter. Criteria: ACMG Guidelines, 2015. Collection method: clinical testing. Allele origin: germline.
Comment: This missense variant replaces arginine with serine at codon 141 of the DSP protein. Computational prediction suggests that this variant may not impact protein structure and function. To our knowledge, functional studies have not been reported for this variant. This variant has been reported in an individual affected with noncompaction cardiomyopathy (PMID: 29447731, 33500567). This variant has been identified in 1/250130 chromosomes in the general population by the Genome Aggregation Database (gnomAD). The available evidence is insufficient to determine the role of this variant in disease conclusively. Therefore, this variant is classified as a Variant of Uncertain Significance.

GeneDx
Classification: Uncertain significance. Last evaluated: 2025-05-03. Review status: criteria provided, single submitter. Criteria: GeneDx Variant Classification Process June 2021. Collection method: clinical testing. Allele origin: germline. Affected: yes.
Comment: Not observed at significant frequency in large population cohorts (gnomAD); In silico analysis supports that this missense variant has a deleterious effect on protein structure/function; Has not been previously published as pathogenic or benign to our knowledge; In silico analysis is inconclusive as to whether the variant alters gene splicing. In the absence of RNA/functional studies, the actual effect of this sequence change is unknown.

Ambry Genetics
Classification: Uncertain significance for Cardiovascular phenotype. Last evaluated: 2024-04-30. Review status: criteria provided, single submitter. Criteria: Ambry Variant Classification Scheme 2023. Collection method: clinical testing. Allele origin: germline.
Comment: The p.R141S variant (also known as c.423G>C), located in coding exon 4 of the DSP gene, results from a G to C substitution at nucleotide position 423. This variant impacts the first base pair of coding exon 4. The arginine at codon 141 is replaced by serine, an amino acid with dissimilar properties. This amino acid position is highly conserved in available vertebrate species. In addition, the in silico prediction for this alteration is inconclusive. Based on the available evidence, the clinical significance of this variant remains unclear.

Labcorp Genetics (formerly Invitae), Labcorp
Classification: Uncertain significance for Arrhythmogenic cardiomyopathy with wooly hair and keratoderma; Arrhythmogenic right ventricular dysplasia 8. Last evaluated: 2024-04-12. Review status: criteria provided, single submitter. Criteria: Invitae Variant Classification Sherloc (09022015). Collection method: clinical testing. Allele origin: germline.
Comment: This sequence change replaces arginine, which is basic and polar, with serine, which is neutral and polar, at codon 141 of the DSP protein (p.Arg141Ser). This variant is present in population databases (rs771688614, gnomAD 0.0009%). This variant has not been reported in the literature in individuals affected with DSP-related conditions. ClinVar contains an entry for this variant (Variation ID: 923616). An algorithm developed to predict the effect of missense changes on protein structure and function (PolyPhen-2) suggests that this variant¬¨‚Ä†is likely to be tolerated. Algorithms developed to predict the effect of sequence changes on RNA splicing suggest that this variant may disrupt the consensus splice site. In summary, the available evidence is currently insufficient to determine the role of this variant in disease. Therefore, it has been classified as a Variant of Uncertain Significance.

Literature cited by the submitters: PubMed 29447731 (cited by Color Diagnostics, LLC DBA Color Health); PubMed 33500567 (cited by Color Diagnostics, LLC DBA Color Health).